The following is an entry in ClinVar:

ClinVar aggregate classification (germline): Uncertain significance (1 of 4 stars; one submission).

Submission:

Women's Health and Genetics/Laboratory Corporation of America, LabCorp
Classification: Uncertain significance. Last evaluated: 2025-11-07. Review status: criteria provided, single submitter. Criteria: LabCorp Variant Classification Summary - May 2015. Collection method: clinical testing. Allele origin: germline.
Comment: Variant summary: TNXB c.8504_8505delinsTG (p.Thr2835Met) results in a non-conservative amino acid change in the encoded protein sequence. Algorithms developed to predict the effect of missense changes on protein structure and function are either unavailable or do not agree on the potential impact of this missense change. The variant was absent in 276606 control chromosomes. The available data on variant occurrences in the general population are insufficient to allow any conclusion about variant significance. To our knowledge, no occurrence of c.8504_8505delinsTG in individuals affected with TNXB-related conditions and no experimental evidence demonstrating its impact on protein function have been reported. No submitters have cited clinical-significance assessments for this variant to ClinVar. Based on the evidence outlined above, the variant was classified as uncertain significance.

NM_001365276.2(TNXB):c.8510_8511inv (p.Thr2837Met)

Gene: TNXB (tenascin XB; minus strand). Cytogenetic location: 6p21.33.
Variant type: Inversion.
Coding change: c.8510_8511inv on transcript NM_001365276.2 (MANE Select).
Protein change: p.Thr2837Met; replaces threonine 2837 with methionine.
Molecular consequence: missense variant.
Genome position: GRCh38 VCF-style: chr6-32053668-TG-CA. GRCh37 (hg19) VCF-style: chr6-32021445-TG-CA.
Other names: c.8504_8505delinsTG (NM_019105.8); c.9251_9252inv, p.Thr3084Met (NM_001428335.1); c.8504_8505inv, p.Thr2835Met (NM_019105.8); short protein forms T2835M, T2837M, T3084M.
Identifiers: ClinVar variation 4536947 (VCV004536947.1).